The following is an entry in ClinVar:

ClinVar aggregate classification (germline): Uncertain significance (1 of 4 stars; one submission).

Conditions:
Intellectual developmental disorder, autosomal recessive 27. Also called: Mental retardation, autosomal recessive 27; Intellectual disability, autosomal recessive 27. Identifiers: Orphanet 88616, MedGen C3280538, MONDO:0013702, OMIM 614340.

Submission:

Baylor Genetics
Classification: Uncertain significance for Intellectual developmental disorder, autosomal recessive 27. Last evaluated: 2018-07-27. Review status: criteria provided, single submitter. Criteria: ACMG Guidelines, 2015. Collection method: clinical testing. Allele origin: unknown. Affected: yes.
Comment: This variant was determined to be of uncertain significance according to ACMG Guidelines, 2015 [PMID:25741868].

NM_001040616.3(LINS1):c.305_306delinsAA (p.Arg102Gln)

Gene: LINS1 (lines homolog 1; minus strand). Cytogenetic location: 15q26.3.
Variant type: Indel.
Coding change: c.305_306delinsAA on transcript NM_001040616.3 (MANE Select); coding-DNA positions 305 to 306, GG replaced by AA.
Protein change: p.Arg102Gln; replaces arginine 102 with glutamine.
Molecular consequence: missense variant. On other transcripts: 5 prime UTR variant (1), non-coding transcript variant (3).
Genome position (GRCh38, 1-based): chr15:100,580,537-100,580,538, CC replaced by TT on the plus strand (GG replaced by AA on the coding strand, the reverse complement: LINS1 is on the minus strand). VCF-style: chr15-100580537-CC-TT. GRCh37 (hg19) VCF-style: chr15-101120742-CC-TT.
Other names: c.-605_-604delinsAA (NM_001352507.2); c.305_306delinsAA, p.Arg102Gln (NM_001352508.2); short protein forms R102Q.
Identifiers: ClinVar variation 1031763 (VCV001031763.1), dbSNP rs2038477427, ClinGen allele CA2200123126.